The following is an entry in ClinVar:

NM_023067.4(FOXL2):c.901_911dup (p.Pro305fs)

Gene: FOXL2 (forkhead box L2; minus strand). Cytogenetic location: 3q22.3.
Variant type: Duplication.
Coding change: c.901_911dup on transcript NM_023067.4 (MANE Select); coding-DNA positions 901 to 911, 11 bases duplicated (GCGGCCGCCGC).
Protein change: p.Pro305fs; shifts the reading frame from proline 305.
Molecular consequence: frameshift variant.
Genome position (GRCh38, 1-based): chr3:138,945,812-138,945,822, GCGGCGGCCGC duplicated on the plus strand (GCGGCCGCCGC on the coding strand, the reverse complement: FOXL2 is on the minus strand); duplicating any 11 consecutive bases within chr3:138,945,812-138,945,823 gives the same sequence; the c. name uses the placement nearest the transcript's 3' end. VCF-style (leftmost placement, unchanged base first): chr3-138945811-T-TGCGGCGGCCGC. GRCh37 (hg19) VCF-style: chr3-138664653-T-TGCGGCGGCCGC.
Other names: short protein forms P305fs.
Identifiers: ClinVar variation 634985 (VCV000634985.2), dbSNP rs1559921874, ClinGen allele CA913189431.
Genomic context (GRCh38, chr3:138,945,811, plus strand): 5'-AGGGCTGAGCTGGCCCGGCGGCGGCGCGGCGGCCCCGTGGTGCGGTGGGGCAGGCGGCGG[T>TGCGGCGGCCGC]GCGGCGGCCGCGTGCAGATGGTGTGCGTGCGGATGCGGGTGGGGGTGCGGCGGAGGCGGG-3'

ClinVar aggregate classification (germline): Pathogenic. Review status: criteria provided, single submitter (1 of 4 stars). 2 submissions from 2 submitters: Pathogenic (1). 1 of the submissions does not count toward it. Last evaluated 2025-08-26.

Conditions:
Blepharophimosis, ptosis, and epicanthus inversus syndrome. Identifiers: Orphanet 126, MedGen C0220663, MONDO:0007201, OMIM 110100.

Submissions (2):

3billion
Classification: Pathogenic for Blepharophimosis, ptosis, and epicanthus inversus syndrome. Last evaluated: 2025-08-26. Review status: criteria provided, single submitter. Criteria: ACMG Guidelines, 2015. Collection method: clinical testing. Allele origin: germline. Affected: yes.
Comment: The variant is not observed in the gnomAD v4.1.0 dataset. Predicted Consequence/Location: Frameshift: predicted to result in a loss or disruption of normal protein function through protein truncation. Multiple pathogenic variants are reported in the predicted truncated region. The variant has been reported to be associated with FOXL2-related disorder (ClinVar ID: VCV000634985 /PMID: 24030029). Therefore, this variant is classified as Pathogenic according to the recommendation of ACMG/AMP guideline.

Wessex Regional Genetics Laboratory, Salisbury District Hospital
Classification: Pathogenic for Blepharophimosis, ptosis, and epicanthus inversus syndrome. Last evaluated: 2016-01-01. Review status: no assertion criteria provided. Criteria: ACMG Guidelines, 2015. Collection method: clinical testing. Allele origin: de novo. Inheritance: Autosomal dominant inheritance. Affected: yes. Not counted in ClinVar's aggregate classification.

Literature cited by the submitters: PubMed 24030029 (cited by 3billion).